The following is an entry in ClinVar:

ClinVar aggregate classification (germline): Uncertain significance (1 of 4 stars; one submission).

Conditions:
Emery-Dreifuss muscular dystrophy 5, autosomal dominant (EDMD5). Also called: EMERY-DREIFUSS MUSCULAR DYSTROPHY 5. Identifiers: Orphanet 261, MedGen C2751805, MONDO:0013072, OMIM 612999.

Allele frequency attached by ClinVar (database versions not stated): gnomAD exomes 0.00001; ExAC 0.00004.

Submission:

Labcorp Genetics (formerly Invitae), Labcorp
Classification: Uncertain significance for Emery-Dreifuss muscular dystrophy 5, autosomal dominant. Last evaluated: 2024-01-02. Review status: criteria provided, single submitter. Criteria: Invitae Variant Classification Sherloc (09022015). Collection method: clinical testing. Allele origin: germline.
Comment: This sequence change replaces arginine, which is basic and polar, with histidine, which is basic and polar, at codon 5134 of the SYNE2 protein (p.Arg5134His). This variant is present in population databases (rs763361004, gnomAD 0.01%). This variant has not been reported in the literature in individuals affected with SYNE2-related conditions. An algorithm developed to predict the effect of missense changes on protein structure and function (PolyPhen-2) suggests that this variant is likely to be disruptive. In summary, the available evidence is currently insufficient to determine the role of this variant in disease. Therefore, it has been classified as a Variant of Uncertain Significance.

NM_182914.3(SYNE2):c.15401G>A (p.Arg5134His)

Gene: SYNE2 (spectrin repeat containing nuclear envelope protein 2; plus strand). Cytogenetic location: 14q23.2.
Variant type: single nucleotide variant.
Coding change: c.15401G>A on transcript NM_182914.3 (MANE Select); coding-DNA position 15401, G replaced by A.
Protein change: p.Arg5134His; replaces arginine 5134 with histidine.
Molecular consequence: missense variant.
Genome position (GRCh38, 1-based): chr14:64,143,866, G>A. VCF-style: chr14-64143866-G-A. GRCh37 (hg19) VCF-style: chr14-64610584-G-A.
Other names: c.15401G>A, p.Arg5134His (NM_015180.6); short protein forms R5134H.
Identifiers: ClinVar variation 3009499 (VCV003009499.3), dbSNP rs763361004, ClinGen allele CA7223071.